The following is an entry in ClinVar:

ClinVar aggregate classification (germline): Uncertain significance (1 of 4 stars; one submission).

Submission:

Dasa
Classification: Uncertain significance. Last evaluated: 2025-01-07. Review status: criteria provided, single submitter. Criteria: DASA Assertion Criteria. Collection method: clinical testing. Allele origin: germline.
Comment: NM_138364.4(PRMT9):c.670_671del (p.Lys224Aspfs*14) is a frameshift variant in PRMT9 predicted to alter the reading frame and introduce a premature termination codon. This variant is absent from population databases. The currently available literature and clinical evidence are not sufficient to establish a definitive association between this variant and the reported condition. Therefore, this variant is classified as a variant of uncertain significance.

NM_138364.4(PRMT9):c.670_671del (p.Lys224fs)

Gene: PRMT9 (protein arginine methyltransferase 9; minus strand). Cytogenetic location: 4q31.23.
Variant type: Deletion.
Coding change: c.670_671del on transcript NM_138364.4 (MANE Select); coding-DNA positions 670 to 671, 2 bases deleted (AA; older notation c.670_671delAA).
Protein change: p.Lys224fs; shifts the reading frame from lysine 224.
Molecular consequence: frameshift variant. On other transcripts: 5 prime UTR variant (3).
Genome position (GRCh38, 1-based): chr4:147,673,031-147,673,032, TT deleted on the plus strand (AA on the coding strand, the reverse complement: PRMT9 is on the minus strand). VCF-style (leftmost placement, unchanged base first): chr4-147673030-CTT-C. GRCh37 (hg19) VCF-style: chr4-148594181-CTT-C.
Other names: c.331_332del, p.Lys111fs (NM_001304458.2, NM_001350142.2); c.-745_-744del (NM_001350141.2); c.-211_-210del (NM_001350143.2); c.-550_-549del (NM_001350144.2); short protein forms K111fs, K224fs.
Identifiers: ClinVar variation 4883961 (VCV004883961.2).